The following is an entry in ClinVar:

ClinVar aggregate classification (germline): Uncertain significance (1 of 4 stars; one submission).

Conditions:
Hereditary cancer-predisposing syndrome. Also called: Neoplastic Syndromes, Hereditary; Tumor predisposition; Hereditary neoplastic syndrome; Hereditary Cancer Syndrome. Identifiers: Orphanet 140162, MedGen C0027672, MeSH D009386, MONDO:0015356.

gnomAD v4.1: 1 of 1,613,736 alleles (0.000062%); highest among the groups gnomAD compares: Non-Finnish European, 0.000085%; no homozygotes.

Submission:

Ambry Genetics
Classification: Uncertain significance for Hereditary cancer-predisposing syndrome. Last evaluated: 2024-04-28. Review status: criteria provided, single submitter. Criteria: Ambry Variant Classification Scheme 2023. Collection method: clinical testing. Allele origin: germline.
Comment: The p.S1930A variant (also known as c.5788T>G), located in coding exon 42 of the POLE gene, results from a T to G substitution at nucleotide position 5788. The serine at codon 1930 is replaced by alanine, an amino acid with similar properties. This amino acid position is conserved. In addition, this alteration is predicted to be tolerated by in silico analysis. Based on the available evidence, the clinical significance of this variant remains unclear.

NM_006231.4(POLE):c.5788T>G (p.Ser1930Ala)

Gene: POLE (DNA polymerase epsilon, catalytic subunit; minus strand). Cytogenetic location: 12q24.33.
Variant type: single nucleotide variant.
Coding change: c.5788T>G on transcript NM_006231.4 (MANE Select); coding-DNA position 5788, T replaced by G.
Protein change: p.Ser1930Ala; replaces serine 1930 with alanine.
Molecular consequence: missense variant.
Genome position (GRCh38, 1-based): chr12:132,635,915, A>C on the plus strand (T>G on the coding strand, the complement: POLE is on the minus strand). VCF-style: chr12-132635915-A-C. GRCh37 (hg19) VCF-style: chr12-133212501-A-C.
Other names: short protein forms S1930A.
Identifiers: ClinVar variation 3308397 (VCV003308397.1).